The following is an entry in ClinVar:

NM_000257.4(MYH7):c.1071G>A (p.Met357Ile)

Gene: MYH7 (myosin heavy chain 7; minus strand). Cytogenetic location: 14q11.2.
Variant type: single nucleotide variant.
Coding change: c.1071G>A on transcript NM_000257.4 (MANE Select); coding-DNA position 1071, G replaced by A.
Protein change: p.Met357Ile; replaces methionine 357 with isoleucine.
Molecular consequence: missense variant.
Genome position (GRCh38, 1-based): chr14:23,429,842, C>T on the plus strand (G>A on the coding strand, the complement: MYH7 is on the minus strand). VCF-style: chr14-23429842-C-T. GRCh37 (hg19) VCF-style: chr14-23899051-C-T.
Other names: c.1071G>A, p.Met357Ile (NM_001407004.1); short protein forms M357I.
Identifiers: ClinVar variation 2691214 (VCV002691214.3), dbSNP rs2138677372, ClinGen allele CA389051423.

ClinVar aggregate classification (germline): Uncertain significance. Review status: criteria provided, multiple submitters, no conflicts (2 of 4 stars). 3 submissions from 3 submitters: Uncertain significance (3). Last evaluated 2025-08-21.

Conditions:
Cardiomyopathy (CMYO). Also called: Cardiomyopathies. Identifiers: Orphanet 167848, MedGen C0878544, MONDO:0004994, HP:0001638. Inheritance: Various modes of inheritance.
Cardiovascular phenotype. Identifiers: MedGen CN230736.
Hypertrophic cardiomyopathy. Also called: HYPERTROPHIC MYOCARDIOPATHY. Identifiers: Orphanet 217569, MedGen C0007194, MeSH D002312, MONDO:0005045, HP:0001639.

Submissions (3):

Ambry Genetics
Classification: Uncertain significance for Cardiovascular phenotype. Last evaluated: 2025-08-21. Review status: criteria provided, single submitter. Criteria: Ambry Variant Classification Scheme 2023. Collection method: clinical testing. Allele origin: germline.
Comment: The p.M357I variant (also known as c.1071G>A), located in coding exon 10 of the MYH7 gene, results from a G to A substitution at nucleotide position 1071. The methionine at codon 357 is replaced by isoleucine, an amino acid with highly similar properties. This alteration is located in the myosin head domain, which contains a statistically significant clustering of pathogenic missense variants (Homburger JR et al. Proc Natl Acad Sci U S A, 2016 06;113:6701-6; Walsh R et al. Genet Med, 2017 02;19:192-203; Ambry internal data). This amino acid position is highly conserved in available vertebrate species. In addition, the in silico prediction for this alteration is inconclusive. Based on the available evidence, the clinical significance of this variant remains unclear.

Labcorp Genetics (formerly Invitae), Labcorp
Classification: Uncertain significance for Hypertrophic cardiomyopathy. Last evaluated: 2025-08-20. Review status: criteria provided, single submitter. Criteria: Invitae Variant Classification Sherloc (09022015). Collection method: clinical testing. Allele origin: germline.
Comment: This sequence change replaces methionine, which is neutral and non-polar, with isoleucine, which is neutral and non-polar, at codon 357 of the MYH7 protein (p.Met357Ile). This variant is not present in population databases (gnomAD no frequency). This variant has not been reported in the literature in individuals affected with MYH7-related conditions. ClinVar contains an entry for this variant (Variation ID: 2691214). Invitae Evidence Modeling of protein sequence and biophysical properties (such as structural, functional, and spatial information, amino acid conservation, physicochemical variation, residue mobility, and thermodynamic stability) indicates that this missense variant is expected to disrupt MYH7 protein function with a positive predictive value of 95%. In summary, the available evidence is currently insufficient to determine the role of this variant in disease. Therefore, it has been classified as a Variant of Uncertain Significance.

CHEO Genetics Diagnostic Laboratory, Children's Hospital of Eastern Ontario
Classification: Uncertain significance for Cardiomyopathy. Last evaluated: 2023-06-20. Review status: criteria provided, single submitter. Criteria: ACMG Guidelines, 2015. Collection method: clinical testing. Allele origin: germline.